The following is an entry in ClinVar:

NM_001735.3(C5):c.1990G>T (p.Glu664Ter)

Gene: C5 (complement C5; minus strand). Cytogenetic location: 9q33.2.
Variant type: single nucleotide variant.
Coding change: c.1990G>T on transcript NM_001735.3 (MANE Select); coding-DNA position 1990, G replaced by T.
Protein change: p.Glu664Ter; replaces glutamic acid 664 with a stop codon.
Molecular consequence: nonsense.
Genome position (GRCh38, 1-based): chr9:121,016,260, C>A on the plus strand (G>T on the coding strand, the complement: C5 is on the minus strand). VCF-style: chr9-121016260-C-A. GRCh37 (hg19) VCF-style: chr9-123778538-C-A.
Other names: c.2008G>T, p.Glu670Ter (NM_001317163.2); c.1990G>T, p.Glu664Ter (NM_001317164.2); short protein forms E670*, E664*.
Identifiers: ClinVar variation 4732936 (VCV004732936.1).

ClinVar aggregate classification (germline): Pathogenic (1 of 4 stars; one submission).

Submission:

Labcorp Genetics (formerly Invitae), Labcorp
Classification: Pathogenic. Last evaluated: 2025-12-17. Review status: criteria provided, single submitter. Criteria: Invitae Variant Classification Sherloc (09022015). Collection method: clinical testing. Allele origin: germline.
Comment: This sequence change creates a premature translational stop signal (p.Glu664*) in the C5 gene. It is expected to result in an absent or disrupted protein product. Loss-of-function variants in C5 are known to be pathogenic (PMID: 7730648, 19414197, 27026170). This variant is not present in population databases (gnomAD no frequency). This variant has not been reported in the literature in individuals affected with C5-related conditions. Algorithms developed to predict the effect of sequence changes on RNA splicing suggest that this variant may disrupt the consensus splice site. For these reasons, this variant has been classified as Pathogenic.

Literature cited by the submitters: PubMed 7730648; PubMed 19414197; PubMed 27026170.